The following is an entry in ClinVar:

ClinVar aggregate classification (germline): Uncertain significance (1 of 4 stars; one submission).

Allele frequency attached by ClinVar (database versions not stated): gnomAD exomes below 0.00001.
gnomAD v4.1: 3 of 1,613,996 alleles (0.00019%); highest among the groups gnomAD compares: South Asian, 0.0011%; no homozygotes.

Submission:

Labcorp Genetics (formerly Invitae), Labcorp
Classification: Uncertain significance. Last evaluated: 2025-05-27. Review status: criteria provided, single submitter. Criteria: Invitae Variant Classification Sherloc (09022015). Collection method: clinical testing. Allele origin: germline.
Comment: This sequence change replaces asparagine, which is neutral and polar, with serine, which is neutral and polar, at codon 4092 of the DNAH9 protein (p.Asn4092Ser). This variant is present in population databases (no rsID available, gnomAD 0.003%). This variant has not been reported in the literature in individuals affected with DNAH9-related conditions. ClinVar contains an entry for this variant (Variation ID: 1926984). Invitae Evidence Modeling of protein sequence and biophysical properties (such as structural, functional, and spatial information, amino acid conservation, physicochemical variation, residue mobility, and thermodynamic stability) indicates that this missense variant is expected to disrupt DNAH9 protein function with a positive predictive value of 80%. In summary, the available evidence is currently insufficient to determine the role of this variant in disease. Therefore, it has been classified as a Variant of Uncertain Significance.

NM_001372.4(DNAH9):c.12275A>G (p.Asn4092Ser)

Gene: DNAH9 (dynein axonemal heavy chain 9; plus strand). Cytogenetic location: 17p12.
Variant type: single nucleotide variant.
Coding change: c.12275A>G on transcript NM_001372.4 (MANE Select); coding-DNA position 12275, A replaced by G.
Protein change: p.Asn4092Ser; replaces asparagine 4092 with serine.
Molecular consequence: missense variant.
Genome position (GRCh38, 1-based): chr17:11,932,183, A>G. VCF-style: chr17-11932183-A-G. GRCh37 (hg19) VCF-style: chr17-11835500-A-G.
Other names: c.1211A>G, p.Asn404Ser (NM_004662.2); short protein forms N4092S, N404S.
Identifiers: ClinVar variation 1926984 (VCV001926984.4), dbSNP rs1381452785, ClinGen allele CA398213194.